The following is an entry in ClinVar:

ClinVar aggregate classification (germline): Uncertain significance (1 of 4 stars; one submission).

Conditions:
Myopathy, proximal, and ophthalmoplegia (CMYO6). Also called: MYOPATHY WITH CONGENITAL JOINT CONTRACTURES, OPHTHALMOPLEGIA, AND RIMMED VACUOLES; INCLUSION BODY MYOPATHY 3, AUTOSOMAL DOMINANT; CONGENITAL MYOPATHY 6 WITH OPHTHALMOPLEGIA. Identifiers: Orphanet 363677, Orphanet 79091, MedGen C1854106, MONDO:0011577, OMIM 605637.

Allele frequency attached by ClinVar (database versions not stated): gnomAD exomes below 0.00001.
gnomAD v4.1: 6 of 1,611,016 alleles (0.00037%); highest among the groups gnomAD compares: Admixed American, 0.0033%; no homozygotes.

Submission:

Labcorp Genetics (formerly Invitae), Labcorp
Classification: Uncertain significance for Myopathy, proximal, and ophthalmoplegia. Last evaluated: 2022-06-20. Review status: criteria provided, single submitter. Criteria: Invitae Variant Classification Sherloc (09022015). Collection method: clinical testing. Allele origin: germline.
Comment: In summary, the available evidence is currently insufficient to determine the role of this variant in disease. Therefore, it has been classified as a Variant of Uncertain Significance. Algorithms developed to predict the effect of sequence changes on RNA splicing suggest that this variant may create or strengthen a splice site. This variant has not been reported in the literature in individuals affected with MYH2-related conditions. This variant is present in population databases (no rsID available, gnomAD 0.003%). This sequence change falls in intron 16 of the MYH2 gene. It does not directly change the encoded amino acid sequence of the MYH2 protein.

NM_017534.6(MYH2):c.1898-6C>T

Genes: MYHAS (myosin heavy chain gene cluster antisense RNA; plus strand), MYH2 (myosin heavy chain 2; minus strand). Cytogenetic location: 17p13.1.
Variant type: single nucleotide variant.
Coding change: c.1898-6C>T on transcript NM_017534.6 (MANE Select); 6 bases into the intron before coding-DNA position 1898, C replaced by T.
Molecular consequence: intron variant.
Genome position (GRCh38, 1-based): chr17:10,536,612, G>A on the plus strand (C>T on the coding strand, the complement: MYH2 is on the minus strand). VCF-style: chr17-10536612-G-A. GRCh37 (hg19) VCF-style: chr17-10439929-G-A.
Other names: c.1898-6C>T (NM_001100112.2).
Identifiers: ClinVar variation 2144014 (VCV002144014.4), dbSNP rs1199011159, ClinGen allele CA624877137.
Genomic context (GRCh38, chr17:10,536,612, plus strand): 5'-TGGAAAGAAGAGCCCTTCTTCTTACCACCTTTCTTGGCCCCTCCACCAGCTCCCTCTGAA[G>A]AAAAAGGAAGAAAAGAAATACTGTTTTGAATTGGCAGGGCTACTTCTTGCGTATTTGCTG-3'